The following is an entry in ClinVar:

ClinVar aggregate classification (germline): Uncertain significance. Review status: criteria provided, multiple submitters, no conflicts (2 of 4 stars). 5 submissions from 5 submitters: Uncertain significance (5). Last evaluated 2025-09-10.

Conditions:
Nephrotic syndrome 15. Identifiers: MedGen C4539896, MONDO:0033262, OMIM 617609.

Submissions (5):

Genomic Medicine Center of Excellence, King Faisal Specialist Hospital and Research Centre
Classification: Uncertain significance for Nephrotic syndrome 15. Last evaluated: 2025-09-10. Review status: criteria provided, single submitter. Criteria: ACMG Guidelines, 2015. Collection method: clinical testing. Allele origin: germline.

Blueprint Genetics
Classification: Uncertain significance. Last evaluated: 2024-10-28. Review status: criteria provided, single submitter. Criteria: ACMG Guidelines, 2015. Collection method: clinical testing. Allele origin: germline.

Athena Diagnostics
Classification: Uncertain significance. Last evaluated: 2024-09-25. Review status: criteria provided, single submitter. Criteria: Athena Diagnostics Criteria. Collection method: clinical testing. Allele origin: unknown.

Labcorp Genetics (formerly Invitae), Labcorp
Classification: Uncertain significance. Last evaluated: 2023-02-22. Review status: criteria provided, single submitter. Criteria: Invitae Variant Classification Sherloc (09022015). Collection method: clinical testing. Allele origin: germline.
Comment: In summary, the available evidence is currently insufficient to determine the role of this variant in disease. Therefore, it has been classified as a Variant of Uncertain Significance. Experimental studies and prediction algorithms are not available or were not evaluated, and the functional significance of this variant is currently unknown. ClinVar contains an entry for this variant (Variation ID: 1525504). This variant has not been reported in the literature in individuals affected with MAGI2-related conditions. This variant is present in population databases (rs773020054, gnomAD 0.03%). This variant, c.3079_3096dup, results in the insertion of 6 amino acid(s) of the MAGI2 protein (p.Met1027_Pro1032dup), but otherwise preserves the integrity of the reading frame.

Fulgent Genetics
Classification: Uncertain significance for Nephrotic syndrome 15. Last evaluated: 2022-03-01. Review status: criteria provided, single submitter. Criteria: ACMG Guidelines, 2015. Collection method: clinical testing. Allele origin: unknown.

NM_012301.4(MAGI2):c.3079_3096dup (p.Met1027_Pro1032dup)

Gene: MAGI2 (membrane associated guanylate kinase, WW and PDZ domain containing 2; minus strand). Cytogenetic location: 7q21.11.
Variant type: Duplication.
Coding change: c.3079_3096dup on transcript NM_012301.4 (MANE Select); coding-DNA positions 3079 to 3096, 18 bases duplicated (ATGGCGCAGCAGAGTCCC).
Protein change: p.Met1027_Pro1032dup.
Molecular consequence: inframe insertion.
Genome position (GRCh38, 1-based): chr7:78,132,996-78,133,013, GGGACTCTGCTGCGCCAT duplicated on the plus strand (ATGGCGCAGCAGAGTCCC on the coding strand, the reverse complement: MAGI2 is on the minus strand); duplicating any 18 consecutive bases within chr7:78,132,996-78,133,024 gives the same sequence; the c. name uses the placement nearest the transcript's 3' end. VCF-style (leftmost placement, unchanged base first): chr7-78132995-G-GGGGACTCTGCTGCGCCAT. GRCh37 (hg19) VCF-style: chr7-77762312-G-GGGGACTCTGCTGCGCCAT.
Other names: c.3037_3054dup, p.Met1013_Pro1018dup (NM_001301128.2); c.3079_3096dup (NM_012301.3).
Identifiers: ClinVar variation 1525504 (VCV001525504.9), dbSNP rs773020054, ClinGen allele CA4313589.